The following is an entry in ClinVar:

ClinVar aggregate classification (germline): Uncertain significance. Review status: criteria provided, multiple submitters, no conflicts (2 of 4 stars). 2 submissions from 2 submitters: Uncertain significance (2). Last evaluated 2025-12-05.

Conditions:
Familial focal epilepsy with variable foci (FPEVF). Identifiers: Orphanet 98820, MedGen C1858477, MONDO:0020310.

Allele frequency attached by ClinVar (database versions not stated): gnomAD exomes 0.00001; ExAC 0.00002; TOPMed 0.00003; ESP Exome Variant Server 0.00008.
gnomAD v4.1: 10 of 1,613,958 alleles (0.00062%); highest among the groups gnomAD compares: East Asian, 0.0022%; no homozygotes.

Submissions (2):

Labcorp Genetics (formerly Invitae), Labcorp
Classification: Uncertain significance for Familial focal epilepsy with variable foci. Last evaluated: 2025-12-05. Review status: criteria provided, single submitter. Criteria: Invitae Variant Classification Sherloc (09022015). Collection method: clinical testing. Allele origin: germline.
Comment: This sequence change replaces glutamine, which is neutral and polar, with arginine, which is basic and polar, at codon 1524 of the DEPDC5 protein (p.Gln1524Arg). This variant is present in population databases (rs377585542, gnomAD 0.003%). This variant has not been reported in the literature in individuals affected with DEPDC5-related conditions. ClinVar contains an entry for this variant (Variation ID: 466493). Experimental studies and prediction algorithms are not available or were not evaluated, and the functional significance of this variant is currently unknown. In summary, the available evidence is currently insufficient to determine the role of this variant in disease. Therefore, it has been classified as a Variant of Uncertain Significance.

CeGaT Center for Human Genetics Tuebingen
Classification: Uncertain significance. Last evaluated: 2025-06-01. Review status: criteria provided, single submitter. Criteria: CeGaT Center For Human Genetics Tuebingen Variant Classification Criteria Version 2. Collection method: clinical testing. Allele origin: germline. Affected: yes. Observed: 2 variant alleles.

NM_001242896.3(DEPDC5):c.4571A>G (p.Gln1524Arg)

Gene: DEPDC5 (DEP domain containing 5, GATOR1 subcomplex subunit; plus strand). Cytogenetic location: 22q12.3.
Variant type: single nucleotide variant.
Coding change: c.4571A>G on transcript NM_001242896.3 (MANE Select); coding-DNA position 4571, A replaced by G.
Protein change: p.Gln1524Arg; replaces glutamine 1524 with arginine.
Molecular consequence: missense variant. On other transcripts: non-coding transcript variant (5).
Genome position (GRCh38, 1-based): chr22:31,906,256, A>G. VCF-style: chr22-31906256-A-G. GRCh37 (hg19) VCF-style: chr22-32302242-A-G.
Other names: c.4544A>G, p.Gln1515Arg (NM_001136029.4); c.4271A>G, p.Gln1424Arg (NM_001242897.2); c.4505A>G, p.Gln1502Arg (NM_001363852.2, NM_001364320.2); c.4337A>G, p.Gln1446Arg (NM_001363854.2, NM_001364319.2); c.4571A>G, p.Gln1524Arg (NM_001364318.2); c.4487A>G, p.Gln1496Arg (NM_001369901.1, NM_001369902.1); c.4478A>G, p.Gln1493Arg (NM_001369903.1, NM_014662.6); short protein forms Q1424R, Q1524R, Q1493R, Q1515R, Q1446R, Q1502R, Q1496R.
Identifiers: ClinVar variation 466493 (VCV000466493.50), dbSNP rs377585542, ClinGen allele CA10197288.
Genomic context (GRCh38, chr22:31,906,256, plus strand): 5'-TCTCTTCAGGAACAGTGTTTCTGCAGCTGCCCTACTCCAAGCGCAAGTTCTCAGGGCAGC[A>G]GCGGCGGCGGCGGAACTCCACCAGCTCCACCAACCAGAACATGTTCTGCGAGGAGCGGGT-3'
Protein context (NP_001229825.1, residues 1514-1534): PYSKRKFSGQ[Gln1524Arg]RRRRNSTSST